The following is an entry in ClinVar:

NM_001042492.3(NF1):c.2772del (p.Glu924fs)

Gene: NF1 (neurofibromin 1; plus strand). Cytogenetic location: 17q11.2.
Variant type: Deletion.
Coding change: c.2772del on transcript NM_001042492.3 (MANE Select); coding-DNA position 2772, one base deleted (A; older notation c.2772delA).
Protein change: p.Glu924fs; shifts the reading frame from glutamic acid 924.
Molecular consequence: frameshift variant.
Genome position (GRCh38, 1-based): chr17:31,229,387, A deleted; the last of 2 consecutive A bases (chr17:31,229,386-31,229,387); deleting either gives the same sequence. VCF-style (leftmost placement, unchanged base first): chr17-31229385-GA-G. GRCh37 (hg19) VCF-style: chr17-29556403-GA-G.
Other names: c.2772delA, p.Glu924Aspfs (NM_000267.4); short protein forms E924fs.
Identifiers: ClinVar variation 2754314 (VCV002754314.3), dbSNP rs2508188418, ClinGen allele CA2697559733.

ClinVar aggregate classification (germline): Pathogenic (1 of 4 stars; one submission).

Conditions:
Neurofibromatosis, type 1 (NF1). Also called: VON RECKLINGHAUSEN DISEASE; NEUROFIBROMATOSIS, TYPE I, SOMATIC; Peripheral type neurofibromatosis; Neurofibromatosis, type I. Identifiers: Orphanet 636, MedGen C0027831, MONDO:0018975, OMIM 162200. Disease mechanism: loss of function.

Submission:

Labcorp Genetics (formerly Invitae), Labcorp
Classification: Pathogenic for Neurofibromatosis, type 1. Last evaluated: 2023-08-22. Review status: criteria provided, single submitter. Criteria: Invitae Variant Classification Sherloc (09022015). Collection method: clinical testing. Allele origin: germline.
Comment: This sequence change creates a premature translational stop signal (p.Glu924Aspfs*2) in the NF1 gene. It is expected to result in an absent or disrupted protein product. Loss-of-function variants in NF1 are known to be pathogenic (PMID: 10712197, 23913538). This variant is not present in population databases (gnomAD no frequency). For these reasons, this variant has been classified as Pathogenic. This variant has not been reported in the literature in individuals affected with NF1-related conditions.

Literature cited by the submitters: PubMed 10712197; PubMed 23913538.